The following is an entry in ClinVar:

ClinVar aggregate classification (germline): Likely benign. Review status: criteria provided, multiple submitters, no conflicts (2 of 4 stars). 3 submissions from 3 submitters: Likely benign (3). Last evaluated 2026-01-27.

Conditions:
3-methylglutaconic aciduria type 5. Also called: CARDIOMYOPATHY, DILATED, WITH ATAXIA; 3 alpha methylglutaconic aciduria type V; MGA 5; MGA, TYPE V. Identifiers: Orphanet 66634, MedGen C1857776, MONDO:0012435, OMIM 610198.

Allele frequency attached by ClinVar (database versions not stated): gnomAD exomes 0.00011 and 0.00017; ExAC 0.00013; gnomAD 0.00013 and 0.00014; ESP Exome Variant Server 0.00015; TOPMed 0.00015.

Submissions (3):

Labcorp Genetics (formerly Invitae), Labcorp
Classification: Likely benign for 3-methylglutaconic aciduria type 5. Last evaluated: 2026-01-27. Review status: criteria provided, single submitter. Criteria: Invitae Variant Classification Sherloc (09022015). Collection method: clinical testing. Allele origin: germline.

Blueprint Genetics
Classification: Likely benign. Last evaluated: 2024-10-07. Review status: criteria provided, single submitter. Criteria: ACMG Guidelines, 2015. Collection method: clinical testing. Allele origin: germline.

GeneDx
Classification: Likely benign. Last evaluated: 2017-08-01. Review status: criteria provided, single submitter. Criteria: GeneDx Variant Classification (06012015). Collection method: clinical testing. Allele origin: germline. Affected: yes.
Comment: This variant is considered likely benign or benign based on one or more of the following criteria: it is a conservative change, it occurs at a poorly conserved position in the protein, it is predicted to be benign by multiple in silico algorithms, and/or has population frequency not consistent with disease.

NM_145261.4(DNAJC19):c.3+16C>T

Gene: DNAJC19 (DnaJ heat shock protein family (Hsp40) member C19; minus strand). Cytogenetic location: 3q26.33.
Variant type: single nucleotide variant.
Coding change: c.3+16C>T on transcript NM_145261.4 (MANE Select); 16 bases into the intron after coding-DNA position 3, C replaced by T.
Molecular consequence: intron variant.
Genome position (GRCh38, 1-based): chr3:180,989,584, G>A on the plus strand (C>T on the coding strand, the complement: DNAJC19 is on the minus strand). VCF-style: chr3-180989584-G-A. GRCh37 (hg19) VCF-style: chr3-180707372-G-A.
Identifiers: ClinVar variation 510883 (VCV000510883.9), dbSNP rs367841424, ClinGen allele CA2717180.